The following is an entry in ClinVar:

ClinVar aggregate classification (germline): Uncertain significance (1 of 4 stars; one submission).

Allele frequency attached by ClinVar (database versions not stated): gnomAD exomes below 0.00001; TOPMed below 0.00001.
gnomAD v4.1: 2 of 1,614,134 alleles (0.00012%); highest among the groups gnomAD compares: African/African-American, 0.0013%; no homozygotes.

Submission:

Labcorp Genetics (formerly Invitae), Labcorp
Classification: Uncertain significance. Last evaluated: 2023-12-20. Review status: criteria provided, single submitter. Criteria: Invitae Variant Classification Sherloc (09022015). Collection method: clinical testing. Allele origin: germline.
Comment: This sequence change replaces threonine, which is neutral and polar, with methionine, which is neutral and non-polar, at codon 687 of the TRRAP protein (p.Thr687Met). This variant is not present in population databases (gnomAD no frequency). This variant has not been reported in the literature in individuals affected with TRRAP-related conditions. Advanced modeling of protein sequence and biophysical properties (such as structural, functional, and spatial information, amino acid conservation, physicochemical variation, residue mobility, and thermodynamic stability) performed at Invitae indicates that this missense variant is expected to disrupt TRRAP protein function with a positive predictive value of 80%. In summary, the available evidence is currently insufficient to determine the role of this variant in disease. Therefore, it has been classified as a Variant of Uncertain Significance.

NM_001375524.1(TRRAP):c.2060C>T (p.Thr687Met)

Gene: TRRAP (transformation/transcription domain associated protein; plus strand). Cytogenetic location: 7q22.1.
Variant type: single nucleotide variant.
Coding change: c.2060C>T on transcript NM_001375524.1 (MANE Select); coding-DNA position 2060, C replaced by T.
Protein change: p.Thr687Met; replaces threonine 687 with methionine.
Molecular consequence: missense variant.
Genome position (GRCh38, 1-based): chr7:98,912,074, C>T. VCF-style: chr7-98912074-C-T. GRCh37 (hg19) VCF-style: chr7-98509697-C-T.
Other names: c.2060C>T, p.Thr687Met (NM_001244580.2, NM_003496.4); short protein forms T687M.
Identifiers: ClinVar variation 2824788 (VCV002824788.3), dbSNP rs1397870031, ClinGen allele CA368288443.